The following is an entry in ClinVar:

ClinVar aggregate classification (germline): Likely benign. Review status: criteria provided, multiple submitters, no conflicts (2 of 4 stars). 3 submissions from 3 submitters: Likely benign (3). Last evaluated 2025-11-22.

Conditions:
Hereditary cancer-predisposing syndrome. Also called: Tumor predisposition; Hereditary Cancer Syndrome; Hereditary neoplastic syndrome; Neoplastic Syndromes, Hereditary. Identifiers: Orphanet 140162, MedGen C0027672, MeSH D009386, MONDO:0015356.
POLD1-related polyposis and colorectal cancer syndrome (CRCS10). Also called: Colorectal cancer 10; COLORECTAL CANCER, SUSCEPTIBILITY TO, ON CHROMOSOME 19q; Colorectal cancer, susceptibility to, 10. Identifiers: Orphanet 220460, MedGen C2675481, MONDO:0012953, OMIM 612591.

Allele frequency attached by ClinVar (database versions not stated): gnomAD exomes below 0.00001.

Submissions (3):

Labcorp Genetics (formerly Invitae), Labcorp
Classification: Likely benign for POLD1-related polyposis and colorectal cancer syndrome. Last evaluated: 2025-11-22. Review status: criteria provided, single submitter. Criteria: Invitae Variant Classification Sherloc (09022015). Collection method: clinical testing. Allele origin: germline.

GeneDx
Classification: Likely benign. Last evaluated: 2017-12-12. Review status: criteria provided, single submitter. Criteria: GeneDx Variant Classification (06012015). Collection method: clinical testing. Allele origin: germline. Affected: yes.
Comment: This variant is considered likely benign or benign based on one or more of the following criteria: it is a conservative change, it occurs at a poorly conserved position in the protein, it is predicted to be benign by multiple in silico algorithms, and/or has population frequency not consistent with disease.

Ambry Genetics
Classification: Likely benign for Hereditary cancer-predisposing syndrome. Last evaluated: 2017-05-25. Review status: criteria provided, single submitter. Criteria: Ambry Variant Classification Scheme 2023. Collection method: clinical testing. Allele origin: germline.

NM_002691.4(POLD1):c.2607G>A (p.Ser869=)

Gene: POLD1 (DNA polymerase delta 1, catalytic subunit; plus strand). Cytogenetic location: 19q13.33.
Variant type: single nucleotide variant.
Coding change: c.2607G>A on transcript NM_002691.4 (MANE Select); coding-DNA position 2607, G replaced by A.
Protein change: p.Ser869=; no amino-acid change (serine 869 retained).
Molecular consequence: synonymous variant. On other transcripts: non-coding transcript variant (1).
Genome position (GRCh38, 1-based): chr19:50,415,480, G>A. VCF-style: chr19-50415480-G-A. GRCh37 (hg19) VCF-style: chr19-50918737-G-A.
Other names: c.2607G>A, p.Ser869= (NM_001256849.1); c.2685G>A, p.Ser895= (NM_001308632.1).
Identifiers: ClinVar variation 486087 (VCV000486087.15), dbSNP rs1181551659, ClinGen allele CA508305249.